The following is an entry in ClinVar:

NM_024642.5(GALNT12):c.-10T>C

Gene: GALNT12 (polypeptide N-acetylgalactosaminyltransferase 12; plus strand). Cytogenetic location: 9q22.33.
Variant type: single nucleotide variant.
Coding change: c.-10T>C on transcript NM_024642.5 (MANE Select); 10 bases upstream of the start codon, T replaced by C.
Molecular consequence: 5 prime UTR variant.
Genome position (GRCh38, 1-based): chr9:98,807,689, T>C. VCF-style: chr9-98807689-T-C. GRCh37 (hg19) VCF-style: chr9-101569971-T-C.
Identifiers: ClinVar variation 3060701 (VCV003060701.2), dbSNP rs1835403190, ClinGen allele CA2690948377.

ClinVar aggregate classification (germline): Likely benign (0 of 4 stars; one submission).

Conditions:
GALNT12-related disorder. Also called: GALNT12-related condition.

gnomAD v4.1: 1 of 1,131,900 alleles (0.000088%); highest among the groups gnomAD compares: East Asian, 0.0051%; no homozygotes.

Submission:

PreventionGenetics, part of Exact Sciences
Classification: Likely benign for GALNT12-related condition. Last evaluated: 2022-01-10. Review status: no assertion criteria provided. Collection method: clinical testing. Allele origin: germline.
Comment: This variant is classified as likely benign based on ACMG/AMP sequence variant interpretation guidelines (Richards et al. 2015 PMID: 25741868, with internal and published modifications).